The following is an entry in ClinVar:

ClinVar aggregate classification (germline): Pathogenic (1 of 4 stars; one submission).

Submission:

GeneDx
Classification: Pathogenic. Last evaluated: 2022-11-08. Review status: criteria provided, single submitter. Criteria: GeneDx Variant Classification Process June 2021. Collection method: clinical testing. Allele origin: germline. Affected: yes.
Comment: Frameshift variant predicted to result in protein truncation, as the last 228 amino acids are replaced with 31 different amino acids, and other loss-of-function variants have been reported downstream in HGMD; Not observed at significant frequency in large population cohorts (gnomAD); Has not been previously published as pathogenic or benign to our knowledge

NM_006593.4(TBR1):c.1362del (p.Pro455fs)

Gene: TBR1 (T-box brain transcription factor 1; plus strand). Cytogenetic location: 2q24.2.
Variant type: Deletion.
Coding change: c.1362del on transcript NM_006593.4 (MANE Select); coding-DNA position 1362, one base deleted (G; older notation c.1362delG).
Protein change: p.Pro455fs; shifts the reading frame from proline 455.
Molecular consequence: frameshift variant.
Genome position (GRCh38, 1-based): chr2:161,423,540, G deleted; the last of 3 consecutive G bases (chr2:161,423,538-161,423,540); deleting any one gives the same sequence. VCF-style (leftmost placement, unchanged base first): chr2-161423537-CG-C. GRCh37 (hg19) VCF-style: chr2-162280048-CG-C.
Other names: short protein forms P455fs.
Identifiers: ClinVar variation 1723006 (VCV001723006.2), dbSNP rs2468099287, ClinGen allele CA2580064145.